The following is an entry in ClinVar:

NM_017617.5(NOTCH1):c.6348C>A (p.Tyr2116Ter)

Gene: NOTCH1 (notch receptor 1; minus strand). Cytogenetic location: 9q34.3.
Variant type: single nucleotide variant.
Coding change: c.6348C>A on transcript NM_017617.5 (MANE Select); coding-DNA position 6348, C replaced by A.
Protein change: p.Tyr2116Ter; replaces tyrosine 2116 with a stop codon.
Molecular consequence: nonsense.
Genome position (GRCh38, 1-based): chr9:136,497,391, G>T on the plus strand (C>A on the coding strand, the complement: NOTCH1 is on the minus strand). VCF-style: chr9-136497391-G-T. GRCh37 (hg19) VCF-style: chr9-139391843-G-T.
Other names: short protein forms Y2116*.
Identifiers: ClinVar variation 5025820 (VCV005025820.1).

ClinVar aggregate classification (germline): Pathogenic (1 of 4 stars; one submission).

Conditions:
Familial thoracic aortic aneurysm and aortic dissection (TAAD). Also called: Thoracic aortic aneurysms and dissections. Identifiers: Orphanet 91387, MedGen C4707243, MONDO:0019625.

Submission:

Ambry Genetics
Classification: Pathogenic for Familial thoracic aortic aneurysm and aortic dissection. Last evaluated: 2026-06-30. Review status: criteria provided, single submitter. Criteria: Ambry Variant Classification Scheme 2023. Collection method: clinical testing. Allele origin: germline.
Comment: The c.6348C>A (p.Y2116*) alteration, located in exon 34 (coding exon 34) of the NOTCH1 gene, consists of a C to A substitution at nucleotide position 6348. This changes the amino acid from a tyrosine (Y) to a stop codon at amino acid position 2116. This variant is not expected to trigger nonsense-mediated mRNA decay, and impacts the last 17% of the protein. However, premature stop codons are typically deleterious in nature, the impacted region is critical for protein function (Ambry internal data), and a significant portion of the protein is affected (Ambry internal data). for NOTCH1-related cardiovascular disorders; however, its clinical significance for NOTCH1-related leukoencephalopathy is uncertain. This variant was not reported in population-based cohorts in the Genome Aggregation Database (gnomAD). Based on the available evidence, this alteration is classified as pathogenic.